The following is an entry in ClinVar:

ClinVar aggregate classification (germline): Likely pathogenic (1 of 4 stars; one submission).

Conditions:
GLMN-related disorder. Also called: GLMN-related condition.

Submission:

PreventionGenetics, part of Exact Sciences
Classification: Likely pathogenic for GLMN-related condition. Last evaluated: 2026-04-24. Review status: criteria provided, single submitter. Criteria: ACMG Guidelines, 2015. Collection method: clinical testing. Allele origin: germline.
Comment: The GLMN c.251_252delAA variant is predicted to result in a frameshift and premature protein termination (p.Lys84Serfs*7). This variant was reported in an individual with glomuvenous malformations (Brouillard et al. 2013. PubMed ID: 23801931). This variant is reported in 0.00088% of alleles in individuals of European (Non-Finnish) descent in gnomAD. Frameshift variants in GLMN are expected to be pathogenic. This variant is interpreted as likely pathogenic.

NM_053274.3(GLMN):c.251_252del (p.Lys84fs)

Gene: GLMN (glomulin, FKBP associated protein; minus strand). Cytogenetic location: 1p22.1.
Variant type: Deletion.
Coding change: c.251_252del on transcript NM_053274.3 (MANE Select); coding-DNA positions 251 to 252, 2 bases deleted (AA; older notation c.251_252delAA).
Protein change: p.Lys84fs; shifts the reading frame from lysine 84.
Molecular consequence: frameshift variant. On other transcripts: non-coding transcript variant (1).
Genome position (GRCh38, 1-based): chr1:92,291,451-92,291,452, TT deleted on the plus strand (AA on the coding strand, the reverse complement: GLMN is on the minus strand); deleting any 2 consecutive bases within chr1:92,291,451-92,291,454 gives the same sequence; the c. name uses the placement nearest the transcript's 3' end. VCF-style (leftmost placement, unchanged base first): chr1-92291450-CTT-C. GRCh37 (hg19) VCF-style: chr1-92757007-CTT-C.
Other names: c.251_252delAA (NM_053274.2); c.251_252del, p.Lys84fs (NM_001319683.2); short protein forms K84fs.
Identifiers: ClinVar variation 4993902 (VCV004993902.1).